The following is an entry in ClinVar:

ClinVar aggregate classification (germline): Uncertain significance (1 of 4 stars; one submission).

Submission:

GeneDx
Classification: Uncertain significance. Last evaluated: 2024-01-12. Review status: criteria provided, single submitter. Criteria: GeneDx Variant Classification Process June 2021. Collection method: clinical testing. Allele origin: germline.
Comment: Variants in candidate genes are classified as variants of uncertain significance in accordance with ACMG guidelines (PMID: 25741868); Not observed at significant frequency in large population cohorts (gnomAD); In silico analysis supports that this missense variant has a deleterious effect on protein structure/function; Has not been previously published as pathogenic or benign to our knowledge

NM_002332.3(LRP1):c.11419T>C (p.Cys3807Arg)

Gene: LRP1 (LDL receptor related protein 1; plus strand). Cytogenetic location: 12q13.3.
Variant type: single nucleotide variant.
Coding change: c.11419T>C on transcript NM_002332.3 (MANE Select); coding-DNA position 11419, T replaced by C.
Protein change: p.Cys3807Arg; replaces cysteine 3807 with arginine.
Molecular consequence: missense variant.
Genome position (GRCh38, 1-based): chr12:57,205,434, T>C. VCF-style: chr12-57205434-T-C. GRCh37 (hg19) VCF-style: chr12-57599217-T-C.
Other names: short protein forms C3807R.
Identifiers: ClinVar variation 4976668 (VCV004976668.1).